The following is an entry in ClinVar:

NM_001112726.3(CEP170B):c.1632G>A (p.Pro544=)

Gene: CEP170B (centrosomal protein 170B; plus strand). Cytogenetic location: 14q32.33.
Variant type: single nucleotide variant.
Coding change: c.1632G>A on transcript NM_001112726.3 (MANE Select); coding-DNA position 1632, G replaced by A.
Protein change: p.Pro544=; no amino-acid change (proline 544 retained).
Molecular consequence: synonymous variant.
Genome position (GRCh38, 1-based): chr14:104,884,411, G>A. VCF-style: chr14-104884411-G-A. GRCh37 (hg19) VCF-style: chr14-105350748-G-A.
Other names: c.1422G>A, p.Pro474= (NM_015005.3).
Identifiers: ClinVar variation 3053452 (VCV003053452.2), dbSNP rs568983781, ClinGen allele CA7375631.
Genomic context (GRCh38, chr14:104,884,411, plus strand): 5'-GGTGCTGCCCGCTCCCCTGACACCCCATGGGACCAGCCCCGTGGGCCCCCCGACCCCACC[G>A]CCCGCCCCCACGGACCCCCAGCTGACCAAGGCACGGAAACAGGAGGAGGACGACAGCCTC-3'
Protein context (NP_001106197.1, residues 534-554): GTSPVGPPTP[Pro544=]PAPTDPQLTK

ClinVar aggregate classification (germline): Benign (0 of 4 stars; one submission).

Conditions:
CEP170B-related disorder. Also called: CEP170B-related condition.

Allele frequency attached by ClinVar (database versions not stated): ExAC 0.00040; gnomAD 0.00050; TOPMed 0.00064; 1000 Genomes Project 0.00100; gnomAD exomes 0.00104.
gnomAD v4.1: 681 of 719,426 alleles (0.095%); highest among the groups gnomAD compares: East Asian, 1.7%; 2 homozygotes.

Submission:

PreventionGenetics, part of Exact Sciences
Classification: Benign for CEP170B-related condition. Last evaluated: 2019-08-20. Review status: no assertion criteria provided. Collection method: clinical testing. Allele origin: germline.
Comment: This variant is classified as benign based on ACMG/AMP sequence variant interpretation guidelines (Richards et al. 2015 PMID: 25741868, with internal and published modifications).